The following is an entry in ClinVar:

ClinVar aggregate classification (germline): Benign. Review status: criteria provided, multiple submitters, no conflicts (2 of 4 stars). 2 submissions from 2 submitters: Benign (2). Last evaluated 2018-06-18.

Allele frequency attached by ClinVar (database versions not stated): 1000 Genomes Project 0.30292; 1000 Genomes Project 30x 0.31012; TOPMed 0.37184; gnomAD 0.37347 and 0.37795; gnomAD exomes 0.39914.
gnomAD v4.1: 373,645 of 946,874 alleles (39%); highest among the groups gnomAD compares: Admixed American, 49%; 77,032 homozygotes.

Submissions (2):

GeneDx
Classification: Benign. Last evaluated: 2018-06-18. Review status: criteria provided, single submitter. Criteria: GeneDx Variant Classification (06012015). Collection method: clinical testing. Allele origin: germline. Affected: yes.
Comment: This variant is considered likely benign or benign based on one or more of the following criteria: it is a conservative change, it occurs at a poorly conserved position in the protein, it is predicted to be benign by multiple in silico algorithms, and/or has population frequency not consistent with disease.

Breakthrough Genomics
Classification: Benign. Review status: criteria provided, single submitter. Criteria: ACMG Guidelines, 2015. Collection method: not provided. Allele origin: germline. Inheritance: Unknown mechanism. Affected: yes.

NM_001018116.2(CAVIN4):c.-117T>C

Gene: CAVIN4 (caveolae associated protein 4; plus strand). Cytogenetic location: 9q31.1.
Variant type: single nucleotide variant.
Coding change: c.-117T>C on transcript NM_001018116.2 (MANE Select); 117 bases upstream of the start codon, T replaced by C.
Genome position (GRCh38, 1-based): chr9:100,578,027, T>C. VCF-style: chr9-100578027-T-C. GRCh37 (hg19) VCF-style: chr9-103340309-T-C.
Identifiers: ClinVar variation 674699 (VCV000674699.2), dbSNP rs1226591, ClinGen allele CA13054769.